The following is an entry in ClinVar:

ClinVar aggregate classification (germline): Uncertain significance. Review status: criteria provided, multiple submitters, no conflicts (2 of 4 stars). 5 submissions from 5 submitters: Uncertain significance (5). Last evaluated 2026-04-12.

Conditions:
DIAPH1-related disorder. Also called: DIAPH1-related condition.
Inborn genetic diseases. Identifiers: MedGen C0950123, MeSH D030342.
Autosomal dominant nonsyndromic hearing loss 1. Also called: KONIGSMARK SYNDROME; DEAFNESS, AUTOSOMAL DOMINANT 1, WITH OR WITHOUT THROMBOCYTOPENIA. Identifiers: Orphanet 90635, MedGen C1852282, MONDO:0007424, OMIM 124900.
Progressive microcephaly-seizures-cortical blindness-developmental delay syndrome. Also called: Seizures, cortical blindness, and microcephaly syndrome. Identifiers: Orphanet 477814, MedGen C5567650, MONDO:0014714, OMIM 616632.

Allele frequency attached by ClinVar (database versions not stated): gnomAD exomes 0.00001 and 0.00002; ExAC 0.00002; TOPMed 0.00005; ESP Exome Variant Server 0.00008; gnomAD 0.00008 and 0.00009.

Submissions (5):

PreventionGenetics, part of Exact Sciences
Classification: Uncertain significance for DIAPH1-related condition. Last evaluated: 2026-04-12. Review status: criteria provided, single submitter. Criteria: ACMG Guidelines, 2015. Collection method: clinical testing. Allele origin: germline.
Comment: The DIAPH1 c.3051G>A variant is predicted to result in the amino acid substitution p.Met1017Ile. To our knowledge, this variant has not been reported in the literature. This variant is reported in 0.021% of alleles in individuals of African descent in gnomAD. At this time, the clinical significance of this variant is uncertain due to the absence of conclusive functional and genetic evidence.

Labcorp Genetics (formerly Invitae), Labcorp
Classification: Uncertain significance for Progressive microcephaly-seizures-cortical blindness-developmental delay syndrome; Autosomal dominant nonsyndromic hearing loss 1. Last evaluated: 2025-11-25. Review status: criteria provided, single submitter. Criteria: Invitae Variant Classification Sherloc (09022015). Collection method: clinical testing. Allele origin: germline.
Comment: This sequence change replaces methionine, which is neutral and non-polar, with isoleucine, which is neutral and non-polar, at codon 1017 of the DIAPH1 protein (p.Met1017Ile). This variant is present in population databases (rs373275414, gnomAD 0.02%). This variant has not been reported in the literature in individuals affected with DIAPH1-related conditions. ClinVar contains an entry for this variant (Variation ID: 504567). An algorithm developed to predict the effect of missense changes on protein structure and function (PolyPhen-2) suggests that this variant is likely to be tolerated. In summary, the available evidence is currently insufficient to determine the role of this variant in disease. Therefore, it has been classified as a Variant of Uncertain Significance.

GeneDx
Classification: Uncertain significance. Last evaluated: 2024-02-15. Review status: criteria provided, single submitter. Criteria: GeneDx Variant Classification Process June 2021. Collection method: clinical testing. Allele origin: germline. Affected: yes.
Comment: In silico analysis supports that this missense variant does not alter protein structure/function; Has not been previously published as pathogenic or benign to our knowledge

Ambry Genetics
Classification: Uncertain significance for Inborn genetic diseases. Last evaluated: 2023-05-17. Review status: criteria provided, single submitter. Criteria: Ambry Variant Classification Scheme 2023. Collection method: clinical testing. Allele origin: germline.

Laboratory for Molecular Medicine, Mass General Brigham Personalized Medicine
Classification: Uncertain significance. Last evaluated: 2016-06-02. Review status: criteria provided, single submitter. Criteria: LMM Criteria. Collection method: clinical testing. Allele origin: germline. Observed: 1 variant allele.
Comment: Variant classified as Uncertain Significance - Favor Benign. The p.Met1017Ile va riant in DIAPH1 has not been previously reported in individuals with hearing los s. This variant has been identified in 1/9804 African chromosomes and 1/11576 o f Latino chromosomes by the Exome Aggregation Consortium (ExAC; dbSNP rs373275414). Although this variant has been seen in the g eneral population, its frequency is not high enough to rule out a pathogenic rol e. Computational prediction tools and conservation analyses suggest that this va riant may not impact the protein, though this information is not predictive enou gh to rule out pathogenicity. In summary, while the clinical significance of the p.Met1017Ile variant is uncertain, the computational and conservation data sugg est that it is more likely to be benign.

NM_005219.5(DIAPH1):c.3051G>A (p.Met1017Ile)

Gene: DIAPH1 (diaphanous related formin 1; minus strand). Cytogenetic location: 5q31.3.
Variant type: single nucleotide variant.
Coding change: c.3051G>A on transcript NM_005219.5 (MANE Select); coding-DNA position 3051, G replaced by A.
Protein change: p.Met1017Ile; replaces methionine 1017 with isoleucine.
Molecular consequence: missense variant.
Genome position (GRCh38, 1-based): chr5:141,528,550, C>T on the plus strand (G>A on the coding strand, the complement: DIAPH1 is on the minus strand). VCF-style: chr5-141528550-C-T. GRCh37 (hg19) VCF-style: chr5-140908117-C-T.
Other names: c.3024G>A, p.Met1008Ile (NM_001079812.3); c.3051G>A, p.Met1017Ile (NM_001314007.2); short protein forms M1008I, M1017I.
Identifiers: ClinVar variation 504567 (VCV000504567.16), dbSNP rs373275414, ClinGen allele CA3478903.
Genomic context (GRCh38, chr5:141,528,550, plus strand): 5'-AAACTTGAGGACATCGGGATAGTCATTCTCACACAACTCAGCCAAGAAGTGTAACAACGT[C>T]ATCTTCTGATCTGTGGACTTGGTGTCTCGAAGCTTAGAGAAAGAGGAGAAACTGTTAAAT-3'
Protein context (NP_005210.3, residues 1007-1027): LRDTKSTDQK[Met1017Ile]TLLHFLAELC